The following is an entry in ClinVar:

NM_139027.6(ADAMTS13):c.1370C>T (p.Pro457Leu)

Gene: ADAMTS13 (ADAM metallopeptidase with thrombospondin type 1 motif 13; plus strand). Cytogenetic location: 9q34.2.
Variant type: single nucleotide variant.
Coding change: c.1370C>T on transcript NM_139027.6 (MANE Select); coding-DNA position 1370, C replaced by T.
Protein change: p.Pro457Leu; replaces proline 457 with leucine.
Molecular consequence: missense variant.
Genome position (GRCh38, 1-based): chr9:133,436,890, C>T. VCF-style: chr9-133436890-C-T. GRCh37 (hg19) VCF-style: chr9-136302010-C-T.
Other names: c.1370C>T, p.Pro457Leu (NM_139025.5); c.1277C>T, p.Pro426Leu (NM_139026.6); short protein forms P457L, P426L.
Identifiers: ClinVar variation 365546 (VCV000365546.37), dbSNP rs36220240, ClinGen allele CA10626723.

ClinVar aggregate classification (germline): Conflicting classifications of pathogenicity. Review status: criteria provided, conflicting classifications (1 of 4 stars). 13 submissions from 13 submitters: Likely pathogenic (3); Uncertain significance (7); Likely benign (1). 2 of the submissions do not count toward it. Last evaluated 2026-08-11.

Conditions:
ADAMTS13-related disorder. Also called: ADAMTS13-related condition.
Atypical hemolytic-uremic syndrome. Identifiers: Orphanet 2134, MedGen C2931788, MONDO:0016244.
Upshaw-Schulman syndrome (TTP). Also called: THROMBOTIC THROMBOCYTOPENIC PURPURA, HEREDITARY; Congenital thrombotic thrombocytopenic purpura. Identifiers: Orphanet 93583, MedGen C1268935, MONDO:0010122, OMIM 274150.

Allele frequency attached by ClinVar (database versions not stated): 1000 Genomes Project 30x 0.00094; ESP Exome Variant Server 0.00163; TOPMed 0.00176; gnomAD 0.00201 and 0.00209; gnomAD exomes 0.00214 and 0.00226; ExAC 0.00368; 1000 Genomes Project 0.00060.
gnomAD v4.1: 3,363 of 1,587,272 alleles (0.21%); highest among the groups gnomAD compares: Non-Finnish European, 0.24%; 10 homozygotes.

Submissions 1 to 11 of 13:

GeneDx
Classification: Likely pathogenic. Last evaluated: 2026-08-11. Review status: criteria provided, single submitter. Criteria: GeneDx Variant Classification Process June 2021. Collection method: clinical testing. Allele origin: germline.
Comment: Published functional studies demonstrate a damaging effect with impaired secretion and reduced enzyme activity (PMID: 17627784, 28866379); In silico analysis supports that this missense variant has a deleterious effect on protein structure/function; This variant is associated with the following publications: (PMID: 28866379, 21228398, 23346910, 17187257, 34426522, 32531546, 28748566, 30046676, 32183147, 12753286, 35667091, 38935915, 40650005, 17627784)

Labcorp Genetics (formerly Invitae), Labcorp
Classification: Likely benign. Last evaluated: 2026-01-06. Review status: criteria provided, single submitter. Criteria: Invitae Variant Classification Sherloc (09022015). Collection method: clinical testing. Allele origin: germline.

Mayo Clinic Laboratories, Mayo Clinic
Classification: Uncertain significance. Last evaluated: 2025-09-04. Review status: criteria provided, single submitter. Criteria: ACMG Guidelines, 2015. Collection method: clinical testing. Allele origin: germline. Observed: 6 variant alleles.
Comment: BS1, BS2, PS3_supporting, PS4_moderate

Clinical Genomics Laboratory, Washington University in St. Louis
Classification: Uncertain significance for Upshaw-Schulman syndrome. Last evaluated: 2025-08-11. Review status: criteria provided, single submitter. Criteria: ACMG Guidelines, 2015. Collection method: clinical testing. Allele origin: germline.
Comment: An ADAMTS13 c.1370C>T (p. Pro457Leu) variant was identified in a heterozygous state. The ADAMTS13 c.1370C>T (p. Pro457Leu) variant has been reported in a number of individuals affected with thrombotic microangiopathies (Fidalgo T et. al., PMID: 30046676; Manea M et al., PMID: 17627784; Lotta L et al., PMID: 19847791). It is observed in 3,363/1,587,272 alleles in the general population, including ten homozygous individuals (gnomAD v4.1.0). This variant has been reported as likely pathogenic by three submitters, a variant of uncertain significance by five submitters, and a likely benign variant by one submitter in the ClinVar database (ClinVar variation ID: 365546). Functional studies show ADAMTS13 knockout leads to compliment deposition in renal tissue in mouse models, indicating that this variant impacts protein function (Tati R et al., PMID: 23878316). Due to conflicting information, and based on ACMG/AMP guidelines for variant interpretation (Richards S et al., PMID: 25741868), the clinical significance of this variant is uncertain at this time.

Center for Genomic Medicine, Rigshospitalet, Copenhagen University Hospital
Classification: Uncertain significance. Last evaluated: 2025-03-04. Review status: criteria provided, single submitter. Criteria: ACMG Guidelines, 2015. Collection method: clinical testing. Allele origin: germline.

Victorian Clinical Genetics Services, Murdoch Childrens Research Institute
Classification: Uncertain significance for Upshaw-Schulman syndrome. Last evaluated: 2024-11-10. Review status: criteria provided, single submitter. Criteria: ACMG Guidelines, 2015. Collection method: clinical testing. Allele origin: germline.
Comment: This variant is classified as VUS-3B. Evidence in support of pathogenic classification: Variant is present in gnomAD <0.01 for a recessive condition (v4: 3343 heterozygotes, 10 homozygotes); This variant has moderate functional evidence supporting abnormal protein function. Functional studies by immunoblotting, immunohistochemistry and cultured cells from affected individuals with this variant and two other ADAMTS13 variants have shown decreased ADAMTS13 activity (PMIDs:17187257, 23878316, 17627784). Mutagenesis and transfection to COS-7 cells showed that VWF-cleaving activity was reduced compared to wild type (PMID: 17627784). Additional information: Variant is predicted to result in a missense amino acid change from proline to leucine; This variant is heterozygous; This gene is associated with autosomal recessive disease; An alternative amino acid change at the same position has been observed in gnomAD (v4: 1 heterozygote, 0 homozygotes); Previous reports of pathogenicity for this variant are conflicting. This variant has been identified heterozygous with other ADAMTS13 variants in 2 unrelated individuals with thrombotic thrombocytopenic purpura (TTP) (PMIDs:12753286, 17187257, 23878316). This variant has also been classified as likely pathogenic, VUS and likely benign (ClinVar); No comparable missense variants have previous evidence for pathogenicity; Variant is located in the annotated ADAMTS_CR_3 domain (DECIPHER); Missense variant with conflicting in silico predictions and uninformative conservation; Loss of function is a known mechanism of disease in this gene and is associated with thrombotic thrombocytopenic purpura, hereditary (MIM#274150).

Blueprint Genetics
Classification: Uncertain significance. Last evaluated: 2024-11-06. Review status: criteria provided, single submitter. Criteria: ACMG Guidelines, 2015. Collection method: clinical testing. Allele origin: germline.

Institute of Immunology and Genetics Kaiserslautern
Classification: Likely pathogenic for Upshaw-Schulman syndrome. Last evaluated: 2024-03-09. Review status: criteria provided, single submitter. Criteria: ACMG Guidelines, 2015. Collection method: clinical testing. Allele origin: germline. Affected: yes.
Comment: ACMG Criteria: PS3, PM1, PM3, PP5; Variant was found in heterozygous state

Women's Health and Genetics/Laboratory Corporation of America, LabCorp
Classification: Uncertain significance. Last evaluated: 2023-11-17. Review status: criteria provided, single submitter. Criteria: LabCorp Variant Classification Summary - May 2015. Collection method: clinical testing. Allele origin: germline.
Comment: Variant summary: ADAMTS13 c.1370C>T (p.Pro457Leu) results in a non-conservative amino acid change in the encoded protein sequence. Four of five in-silico tools predict a damaging effect of the variant on protein function. The variant allele was found at a frequency of 0.0023 in 202740 control chromosomes in the gnomAD database, including 1 homozygote. This frequency is not comparable to an estimated frequency for a pathogenic variant in ADAMTS13 causing Thrombotic Thrombocytopenic Purpura allowing no conclusion about variant significance. c.1370C>T has been reported in the literature in at-least one compound heterozygous individual affected with Thrombotic Thrombocytopenic Purpura whose obligate carrier parents demonstrated 50% ADAMTS13 activity levels (example, Assink_2003, Manea_2007). It has also been reported as a single copy or an unspecified genotype in individuals with other unclear phenotypes such as congenital heart disease, acutely resolving episodes of TTP and in cohorts of individuals undergoing WES for rare bleeding disorders (example, Fidalgo_2017, Kateni_2017, Leinoe_2017). These data do not allow any firm conclusions about variant significance. This variant continues to be cited as a pathogenic variant associated with strong evidence for hereditary TTP (example, Hoon Rim_2020). At least one publication reports experimental evidence evaluating an impact on protein function. The most pronounced variant effect results in a loss of ADAMTS13 activity although the primary data supporting this finding were not provided (example, Manea_2007). However, western blot analysis demonstrated a complete absence of ADAMTS13 using monoclonal and polyclonal antibodies against this protein. The following publications have been ascertained in the context of this evaluation (PMID: 12753286, 30046676, 32183147, 28866379, 28748566, 17187257, 23715102). Six clinical diagnostic laboratories have submitted conflicting clinical-significance assessments for this variant to ClinVar after 2014 without evidence for independent evaluation (likely benign, n=1; likely pathogenic, n=2; VUS, n=3). Based on the evidence outlined above, the variant was classified as VUS-possibly pathogenic.

Mendelics
Classification: Uncertain significance. Last evaluated: 2022-05-04. Review status: criteria provided, single submitter. Criteria: Mendelics Assertion Criteria 2019. Collection method: clinical testing. Allele origin: germline.

Illumina Laboratory Services, Illumina
Classification: Likely pathogenic for Upshaw-Schulman syndrome. Last evaluated: 2017-09-05. Review status: criteria provided, single submitter. Criteria: ICSL Variant Classification Criteria 09 May 2019. Collection method: clinical testing. Allele origin: germline.
Comment: The ADAMTS13 c.1370C>T (p.Pro457Leu) variant has been reported in at least two studies in which it is found in a compound heterozygous state in two individuals with familial thrombotic thrombocytopenia purpura and in a heterozygous state in an unaffected parent of each individual (Assink et al. 2003; Manea et al. 2007a). The p.Pro457Leu variant was absent from 50 control samples (Assink et al. 2003), but is reported at a frequency of 0.005899 in the European (Finnish) population of the Genome Aggregation Database with one homozygote present in the European (non-Finnish) population. One of the affected individuals was shown to have less than 5% enzyme activity compared to 50% activity seen in the unaffected parent, and in vitro studies showed impaired secretion and very low activity of the secreted variant proteins (Manea et al. 2007a; Manea et al. 2007b). Based on the evidence, the p.Pro457Leu variant is classified as likely pathogenic for familial thrombotic thrombocytopenia purpura. This variant was observed by ICSL as part of a predisposition screen in an ostensibly healthy population.